The following is an entry in ClinVar:

ClinVar aggregate classification (germline): Uncertain significance (1 of 4 stars; one submission).

Conditions:
Werner syndrome (WRN). Identifiers: Orphanet 902, MedGen C0043119, MONDO:0010196, OMIM 277700.

Submission:

Labcorp Genetics (formerly Invitae), Labcorp
Classification: Uncertain significance for Werner syndrome. Last evaluated: 2022-07-19. Review status: criteria provided, single submitter. Criteria: Invitae Variant Classification Sherloc (09022015). Collection method: clinical testing. Allele origin: germline.
Comment: This variant has not been reported in the literature in individuals affected with WRN-related conditions. ClinVar contains an entry for this variant (Variation ID: 1467220). This sequence change replaces arginine, which is basic and polar, with leucine, which is neutral and non-polar, at codon 711 of the WRN protein (p.Arg711Leu). This variant is not present in population databases (gnomAD no frequency). Algorithms developed to predict the effect of missense changes on protein structure and function are either unavailable or do not agree on the potential impact of this missense change (SIFT: "Not Available"; PolyPhen-2: "Probably Damaging"; Align-GVGD: "Not Available"). In summary, the available evidence is currently insufficient to determine the role of this variant in disease. Therefore, it has been classified as a Variant of Uncertain Significance.

NM_000553.6(WRN):c.2132G>T (p.Arg711Leu)

Gene: WRN (WRN RecQ like helicase; plus strand). Cytogenetic location: 8p12.
Variant type: single nucleotide variant.
Coding change: c.2132G>T on transcript NM_000553.6 (MANE Select); coding-DNA position 2132, G replaced by T.
Protein change: p.Arg711Leu; replaces arginine 711 with leucine.
Molecular consequence: missense variant.
Genome position (GRCh38, 1-based): chr8:31,111,658, G>T. VCF-style: chr8-31111658-G-T. GRCh37 (hg19) VCF-style: chr8-30969174-G-T.
Other names: short protein forms R711L.
Identifiers: ClinVar variation 1467220 (VCV001467220.8), dbSNP rs750658657, ClinGen allele CA370912504.